The following is an entry in ClinVar:

ClinVar aggregate classification (germline): Uncertain significance (1 of 4 stars; one submission).

Conditions:
Congenital disorder of glycosylation with defective fucosylation 1 (CDGF1). Identifiers: MedGen CN258220, MONDO:0020775, OMIM 618005.

Submission:

3billion
Classification: Uncertain significance for Congenital disorder of glycosylation with defective fucosylation 1. Last evaluated: 2022-05-22. Review status: criteria provided, single submitter. Criteria: ACMG Guidelines, 2015. Collection method: clinical testing. Allele origin: germline. Affected: yes. Observed: 1 heterozygote.
Comment: The variant is not observed in the gnomAD v2.1.1 dataset. Protein truncation variants are a common disease-causing mechanism. In silico tool predictions suggest damaging effect of the variant on gene or gene product (REVEL: 0.79). Therefore, this variant is classified as uncertain significanceaccording to the recommendation of ACMG/AMP guideline.

NM_001371533.1(FUT8):c.1406C>T (p.Ser469Phe)

Gene: FUT8 (fucosyltransferase 8; plus strand). Cytogenetic location: 14q23.3.
Variant type: single nucleotide variant.
Coding change: c.1406C>T on transcript NM_001371533.1 (MANE Select); coding-DNA position 1406, C replaced by T.
Protein change: p.Ser469Phe; replaces serine 469 with phenylalanine.
Molecular consequence: missense variant. On other transcripts: non-coding transcript variant (1).
Genome position (GRCh38, 1-based): chr14:65,733,377, C>T. VCF-style: chr14-65733377-C-T. GRCh37 (hg19) VCF-style: chr14-66200095-C-T.
Other names: c.1406C>T, p.Ser469Phe (NM_001371534.1, NM_178155.3, NM_178156.2); c.1508C>T, p.Ser503Phe (NM_001371536.1); c.917C>T, p.Ser306Phe (NM_004480.4); short protein forms S306F, S469F, S503F.
Identifiers: ClinVar variation 1687228 (VCV001687228.1), dbSNP rs2139388052, ClinGen allele CA390250265.
Genomic context (GRCh38, chr14:65,733,377, plus strand): 5'-GAGTGATCCTGGATATACATTTTCTCTCTCAGGCAGACTTCCTAGTGTGTACTTTTTCAT[C>T]CCAGGTAAGTGTCAGTAGGGCATTTTAAAATAACCAATACTTTTTGGTTGTATAGGAGTC-3'
Protein context (NP_001358462.1, residues 459-479): QADFLVCTFS[Ser469Phe]QVCRVAYEIM